The following is an entry in ClinVar:

ClinVar aggregate classification (germline): Pathogenic (1 of 4 stars; one submission).

Submission:

Labcorp Genetics (formerly Invitae), Labcorp
Classification: Pathogenic. Last evaluated: 2021-12-25. Review status: criteria provided, single submitter. Criteria: Invitae Variant Classification Sherloc (09022015). Collection method: clinical testing. Allele origin: germline.
Comment: For these reasons, this variant has been classified as Pathogenic. ClinVar contains an entry for this variant (Variation ID: 839198). This variant has not been reported in the literature in individuals affected with PHEX-related conditions. This variant is not present in population databases (gnomAD no frequency). This sequence change creates a premature translational stop signal (p.Leu23Argfs*9) in the PHEX gene. It is expected to result in an absent or disrupted protein product. Loss-of-function variants in PHEX are known to be pathogenic (PMID: 9097956, 9106524, 19219621).

Literature cited by the submitters: PubMed 9097956; PubMed 9106524; PubMed 19219621.

NM_000444.6(PHEX):c.68del (p.Leu23fs)

Gene: PHEX (phosphate regulating endopeptidase X-linked; plus strand). Cytogenetic location: Xp22.11.
Variant type: Deletion.
Coding change: c.68del on transcript NM_000444.6 (MANE Select); coding-DNA position 68, one base deleted (T; older notation c.68delT).
Protein change: p.Leu23fs; shifts the reading frame from leucine 23.
Molecular consequence: frameshift variant.
Genome position (GRCh38, 1-based): chrX:22,033,073, T deleted. VCF-style (leftmost placement, unchanged base first): chrX-22033072-CT-C. GRCh37 (hg19) VCF-style: chrX-22051190-CT-C.
Other names: c.68del, p.Leu23fs (NM_001282754.2); short protein forms L23fs.
Identifiers: ClinVar variation 839198 (VCV000839198.7), dbSNP rs1926871899, ClinGen allele CA916083866.
Genomic context (GRCh38, chrX:22,033,072, plus strand): 5'-GCAGAAACAGGGAGCAGCGTGGAGACTGGAAAGAAGGCCAACAGAGGCACTCGAATTGCC[CT>C]GGTCGTGTTTGTCGGTGGCACCCTAGTTCTGGGCACGATCCTCTTTCTAGGTAAGTGGAG-3'